The following is an entry in ClinVar:

ClinVar aggregate classification (germline): Benign/Likely benign. Review status: criteria provided, multiple submitters, no conflicts (2 of 4 stars). 4 submissions from 4 submitters: Benign (1); Likely benign (1). 2 of the submissions do not count toward it. Last evaluated 2026-02-04.

Conditions:
EPG5-related disorder. Also called: EPG5-related condition. Identifiers: MedGen CN381528.
Vici syndrome (VICIS). Identifiers: Orphanet 1493, MedGen C1855772, MONDO:0009452, OMIM 242840.
Neurodevelopmental disorder with parkinsonism or other movement abnormalities. Identifiers: MedGen CN380875, MONDO:0980990, OMIM 621506.

Allele frequency attached by ClinVar (database versions not stated): gnomAD 0.00015 and 0.00020; TOPMed 0.00024; ExAC 0.00039; 1000 Genomes Project 0.00040; gnomAD exomes 0.00041; 1000 Genomes Project 30x 0.00094.
gnomAD v4.1: 237 of 1,595,434 alleles (0.015%); highest among the groups gnomAD compares: East Asian, 0.49%; 1 homozygote.

Submissions (5):

Labcorp Genetics (formerly Invitae), Labcorp
Classification: Benign for Vici syndrome. Last evaluated: 2026-02-04. Review status: criteria provided, single submitter. Criteria: Invitae Variant Classification Sherloc (09022015). Collection method: clinical testing. Allele origin: germline.

Blueprint Genetics
Classification: Likely benign. Last evaluated: 2024-11-18. Review status: criteria provided, single submitter. Criteria: ACMG Guidelines, 2015. Collection method: clinical testing. Allele origin: germline.

OMIM
Classification: Pathogenic for NEURODEVELOPMENTAL DISORDER WITH PARKINSONISM OR OTHER MOVEMENT ABNORMALITIES. Last evaluated: 2026-04-09. Review status: no assertion criteria provided. Collection method: literature only. Allele origin: germline. Not counted in ClinVar's aggregate classification.

PreventionGenetics, part of Exact Sciences
Classification: Likely benign for EPG5-related condition. Last evaluated: 2019-08-29. Review status: no assertion criteria provided. Collection method: clinical testing. Allele origin: germline. Not counted in ClinVar's aggregate classification.
Comment: This variant is classified as likely benign based on ACMG/AMP sequence variant interpretation guidelines (Richards et al. 2015 PMID: 25741868, with internal and published modifications).

Dr. Peter K. Rogan Lab, Western University
No classification provided (evidence only). Condition: Lung cancer. Review status: no classification provided. Collection method: in vitro. Allele origin: not applicable. Functional consequence: retained intron. Not counted in ClinVar's aggregate classification.

Literature cited by the submitters: PubMed 40192014 (cited by OMIM); Hamosh, A. Personal Communication. 2026. Baltimore, Md. (cited by OMIM).

NM_020964.3(EPG5):c.5308G>A (p.Asp1770Asn)

Gene: EPG5 (ectopic P-granules 5 autophagy tethering factor; minus strand). Cytogenetic location: 18q12.3.
Variant type: single nucleotide variant.
Coding change: c.5308G>A on transcript NM_020964.3 (MANE Select); coding-DNA position 5308, G replaced by A.
Protein change: p.Asp1770Asn; replaces aspartic acid 1770 with asparagine.
Molecular consequence: missense variant.
Genome position (GRCh38, 1-based): chr18:45,882,484, C>T on the plus strand (G>A on the coding strand, the complement: EPG5 is on the minus strand). VCF-style: chr18-45882484-C-T. GRCh37 (hg19) VCF-style: chr18-43462449-C-T.
Other names: short protein forms D1770N.
Identifiers: ClinVar variation 718870 (VCV000718870.14), dbSNP rs554975133, ClinGen allele CA8948612.